The following is an entry in ClinVar:

NM_005477.3(HCN4):c.3428G>T (p.Gly1143Val)

Gene: HCN4 (hyperpolarization activated cyclic nucleotide gated potassium channel 4; minus strand). Cytogenetic location: 15q24.1.
Variant type: single nucleotide variant.
Coding change: c.3428G>T on transcript NM_005477.3 (MANE Select); coding-DNA position 3428, G replaced by T.
Protein change: p.Gly1143Val; replaces glycine 1143 with valine.
Molecular consequence: missense variant.
Genome position (GRCh38, 1-based): chr15:73,322,665, C>A on the plus strand (G>T on the coding strand, the complement: HCN4 is on the minus strand). VCF-style: chr15-73322665-C-A. GRCh37 (hg19) VCF-style: chr15-73615006-C-A.
Other names: short protein forms G1143V.
Identifiers: ClinVar variation 470670 (VCV000470670.8), dbSNP rs1555475094, ClinGen allele CA393085348.
Genomic context (GRCh38, chr15:73,322,665, plus strand): 5'-GGTGGCAAAGAACCTGAGGATGTCTTCCGAGGCAGAGTGACGTGCTGGCCGGGGATGGCA[C>A]CATAGGGCCTCCCAGGGGGACCGAGGCCCCCGCTGCTCCCACTGCCCCCGCTGCCACCCC-3'
Protein context (NP_005468.1, residues 1133-1153): GGLGPPGRPY[Gly1143Val]AIPGQHVTLP

ClinVar aggregate classification (germline): Uncertain significance (1 of 4 stars; one submission).

Conditions:
Brugada syndrome 8 (BRGDA8). Identifiers: Orphanet 130, MedGen C2751083, MONDO:0013148, OMIM 613123.

Submission:

Labcorp Genetics (formerly Invitae), Labcorp
Classification: Uncertain significance for Brugada syndrome 8. Last evaluated: 2017-06-10. Review status: criteria provided, single submitter. Criteria: Invitae Variant Classification Sherloc (09022015). Collection method: clinical testing. Allele origin: germline.
Comment: In summary, this variant has uncertain impact on HCN4 function. The available evidence is currently insufficient to determine its role in disease. Therefore, it has been classified as a Variant of Uncertain Significance. This sequence change replaces glycine with valine at codon 1143 of the HCN4 protein (p.Gly1143Val). The glycine residue is highly conserved and there is a moderate physicochemical difference between glycine and valine. This variant is not present in population databases (ExAC no frequency). This variant has not been reported in the literature in individuals with a HCN4-related disease. Algorithms developed to predict the effect of missense changes on protein structure and function (SIFT, PolyPhen-2, Align-GVGD) all suggest that this variant is likely to be disruptive, but these predictions have not been confirmed by published functional studies and their clinical significance is uncertain.